The following is an entry in ClinVar:

ClinVar aggregate classification (germline): Uncertain significance (1 of 4 stars; one submission).

Conditions:
Short-rib thoracic dysplasia 8 with or without polydactyly (SRTD8). Also called: SHORT-RIB THORACIC DYSPLASIA 8 WITH POLYDACTYLY. Identifiers: Orphanet 93271, MedGen C3809691, MONDO:0014214, OMIM 615503.

Allele frequency attached by ClinVar (database versions not stated): ExAC 0.00002; gnomAD exomes 0.00004; TOPMed 0.00003; gnomAD 0.00005.
gnomAD v4.1: 68 of 1,613,846 alleles (0.0042%); highest among the groups gnomAD compares: Non-Finnish European, 0.0039%; no homozygotes.

Submission:

Labcorp Genetics (formerly Invitae), Labcorp
Classification: Uncertain significance for Short-rib thoracic dysplasia 8 with or without polydactyly. Last evaluated: 2022-06-14. Review status: criteria provided, single submitter. Criteria: Invitae Variant Classification Sherloc (09022015). Collection method: clinical testing. Allele origin: germline.
Comment: This variant is present in population databases (rs759559421, gnomAD 0.07%). This sequence change replaces glycine, which is neutral and non-polar, with arginine, which is basic and polar, at codon 715 of the WDR60 protein (p.Gly715Arg). This variant has not been reported in the literature in individuals affected with WDR60-related conditions. In summary, the available evidence is currently insufficient to determine the role of this variant in disease. Therefore, it has been classified as a Variant of Uncertain Significance. Algorithms developed to predict the effect of sequence changes on RNA splicing suggest that this variant may create or strengthen a splice site. Algorithms developed to predict the effect of missense changes on protein structure and function are either unavailable or do not agree on the potential impact of this missense change (SIFT: "Deleterious"; PolyPhen-2: "Benign"; Align-GVGD: "Class C0").

NM_018051.5(DYNC2I1):c.2143G>A (p.Gly715Arg)

Gene: DYNC2I1 (dynein 2 intermediate chain 1; plus strand). Cytogenetic location: 7q36.3.
Variant type: single nucleotide variant.
Coding change: c.2143G>A on transcript NM_018051.5 (MANE Select); coding-DNA position 2143, G replaced by A.
Protein change: p.Gly715Arg; replaces glycine 715 with arginine.
Molecular consequence: missense variant.
Genome position (GRCh38, 1-based): chr7:158,923,619, G>A. VCF-style: chr7-158923619-G-A. GRCh37 (hg19) VCF-style: chr7-158716310-G-A.
Other names: c.2005G>A, p.Gly669Arg (NM_001350914.2); c.1570G>A, p.Gly524Arg (NM_001350915.2); c.682G>A, p.Gly228Arg (NM_001350916.2); c.895G>A, p.Gly299Arg (NM_001350917.2, NM_001350918.2); short protein forms G299R, G524R, G715R, G228R, G669R.
Identifiers: ClinVar variation 2064120 (VCV002064120.4), dbSNP rs759559421, ClinGen allele CA4594885.